The following is an entry in ClinVar:

ClinVar aggregate classification (germline): Benign/Likely benign. Review status: criteria provided, multiple submitters, no conflicts (2 of 4 stars). 8 submissions from 8 submitters: Benign (3); Likely benign (3). 2 of the submissions do not count toward it. Last evaluated 2026-02-01.

Conditions:
Autosomal recessive severe congenital neutropenia due to CSF3R deficiency. Also called: Neutropenia, severe congenital, 7, autosomal recessive. Identifiers: Orphanet 420702, MedGen C4310764, MONDO:0014865, OMIM 617014.

Allele frequency attached by ClinVar (database versions not stated): gnomAD 0.00135 and 0.00139; ExAC 0.00145; gnomAD exomes 0.00157; TOPMed 0.00161; 1000 Genomes Project 30x 0.00172; 1000 Genomes Project 0.00180; ESP Exome Variant Server 0.00208.
gnomAD v4.1: 3,048 of 1,614,202 alleles (0.19%); highest among the groups gnomAD compares: Admixed American, 0.24%; 6 homozygotes.

Submissions (8):

Labcorp Genetics (formerly Invitae), Labcorp
Classification: Benign for Autosomal recessive severe congenital neutropenia due to CSF3R deficiency. Last evaluated: 2026-02-01. Review status: criteria provided, single submitter. Criteria: Invitae Variant Classification Sherloc (09022015). Collection method: clinical testing. Allele origin: germline.

Women's Health and Genetics/Laboratory Corporation of America, LabCorp
Classification: Benign. Last evaluated: 2026-01-23. Review status: criteria provided, single submitter. Criteria: LabCorp Variant Classification Summary - May 2015. Collection method: clinical testing. Allele origin: germline.

Blueprint Genetics
Classification: Likely benign. Last evaluated: 2024-11-19. Review status: criteria provided, single submitter. Criteria: ACMG Guidelines, 2015. Collection method: clinical testing. Allele origin: germline.

Mayo Clinic Laboratories, Mayo Clinic
Classification: Benign. Last evaluated: 2024-10-09. Review status: criteria provided, single submitter. Criteria: ACMG Guidelines, 2015. Collection method: clinical testing. Allele origin: germline. Observed: 5 variant alleles.
Comment: BS1, BS2, BP4, BP7

Genetic Services Laboratory, University of Chicago
Classification: Likely benign. Last evaluated: 2020-12-22. Review status: criteria provided, single submitter. Criteria: ACMG Guidelines, 2015. Collection method: clinical testing. Allele origin: germline. Affected: no.

PreventionGenetics, part of Exact Sciences
Classification: Likely benign. Review status: criteria provided, single submitter. Criteria: ACMG Guidelines, 2015. Collection method: clinical testing. Allele origin: germline.

Clinical Genetics DNA and cytogenetics Diagnostics Lab, Erasmus MC, Erasmus Medical Center
Classification: Likely benign. Review status: no assertion criteria provided. Collection method: clinical testing. Allele origin: germline. Affected: yes. Study: VKGL Data-share Consensus. Not counted in ClinVar's aggregate classification.

Genome Diagnostics Laboratory, University Medical Center Utrecht
Classification: Likely benign. Review status: no assertion criteria provided. Collection method: clinical testing. Allele origin: germline. Affected: yes. Study: VKGL Data-share Consensus. Not counted in ClinVar's aggregate classification.

Literature cited by the submitters: PubMed 23896413 (cited by Women's Health and Genetics/Laboratory Corporation of America, LabCorp); PubMed 28302714 (cited by Women's Health and Genetics/Laboratory Corporation of America, LabCorp); PubMed 24627528 (cited by Women's Health and Genetics/Laboratory Corporation of America, LabCorp); PubMed 23656643 (cited by Women's Health and Genetics/Laboratory Corporation of America, LabCorp); PubMed 23604229 (cited by Women's Health and Genetics/Laboratory Corporation of America, LabCorp); PubMed 27069254 (cited by Women's Health and Genetics/Laboratory Corporation of America, LabCorp).

NM_000760.4(CSF3R):c.1410G>A (p.Ala470=)

Gene: CSF3R (colony stimulating factor 3 receptor; minus strand). Cytogenetic location: 1p34.3.
Variant type: single nucleotide variant.
Coding change: c.1410G>A on transcript NM_000760.4 (MANE Select); coding-DNA position 1410, G replaced by A.
Protein change: p.Ala470=; no amino-acid change (alanine 470 retained).
Molecular consequence: synonymous variant.
Genome position (GRCh38, 1-based): chr1:36,469,716, C>T on the plus strand (G>A on the coding strand, the complement: CSF3R is on the minus strand). VCF-style: chr1-36469716-C-T. GRCh37 (hg19) VCF-style: chr1-36935317-C-T.
Other names: p.Ala470=; c.1410G>A, p.Ala470= (LRG_144t1, NM_156039.3, NM_172313.3).
Identifiers: ClinVar variation 256791 (VCV000256791.21), dbSNP rs3917988, ClinGen allele CA769198.